The following is an entry in ClinVar:

ClinVar aggregate classification (germline): Uncertain significance (1 of 4 stars; one submission).

Allele frequency attached by ClinVar (database versions not stated): ExAC 0.00002.
gnomAD v4.1: 6 of 1,613,966 alleles (0.00037%); highest among the groups gnomAD compares: African/African-American, 0.0013%; no homozygotes.

Submission:

Labcorp Genetics (formerly Invitae), Labcorp
Classification: Uncertain significance. Last evaluated: 2022-03-06. Review status: criteria provided, single submitter. Criteria: Invitae Variant Classification Sherloc (09022015). Collection method: clinical testing. Allele origin: germline.
Comment: In summary, the available evidence is currently insufficient to determine the role of this variant in disease. Therefore, it has been classified as a Variant of Uncertain Significance. Algorithms developed to predict the effect of missense changes on protein structure and function are either unavailable or do not agree on the potential impact of this missense change (SIFT: "Not Available"; PolyPhen-2: "Benign"; Align-GVGD: "Not Available"). This variant has not been reported in the literature in individuals affected with NUP160-related conditions. This variant is present in population databases (rs754571787, gnomAD 0.002%). This sequence change replaces alanine, which is neutral and non-polar, with valine, which is neutral and non-polar, at codon 37 of the NUP160 protein (p.Ala37Val).

NM_015231.3(NUP160):c.8C>T (p.Ala3Val)

Genes: NUP160 (nucleoporin 160; minus strand), LOC130005685 (ATAC-STARR-seq lymphoblastoid active region 4704; plus strand). Cytogenetic location: 11p11.2.
Variant type: single nucleotide variant.
Coding change: c.8C>T on transcript NM_015231.3 (MANE Select); coding-DNA position 8, C replaced by T.
Protein change: p.Ala3Val; replaces alanine 3 with valine.
Molecular consequence: missense variant. On other transcripts: non-coding transcript variant (1).
Genome position (GRCh38, 1-based): chr11:47,848,311, G>A on the plus strand (C>T on the coding strand, the complement: NUP160 is on the minus strand). VCF-style: chr11-47848311-G-A. GRCh37 (hg19) VCF-style: chr11-47869863-G-A.
Other names: c.110C>T, p.Ala37Val (NM_001318399.1); short protein forms A37V, A3V.
Identifiers: ClinVar variation 1972252 (VCV001972252.3), dbSNP rs754571787, ClinGen allele CA5981761.
Genomic context (GRCh38, chr11:47,848,311, plus strand): 5'-CTCGGCCTTTCGCGCTCAGCTCCGCTTAGCTCCACGAAGCTCCGTTCCAGGGCTCCCGCC[G>A]CCGCCATCTTCCCGCCGTCGCCGCGACGCCCAACGGAACAAAGGCAGGGCCGCGCGGTCG-3'
Protein context (NP_056046.2, residues 1-13): MA[Ala3Val]AGALERSFVE